The following is an entry in ClinVar:

ClinVar aggregate classification (germline): Uncertain significance (1 of 4 stars; one submission).

Conditions:
Amyotrophic lateral sclerosis type 1 (ALS1). Also called: AMYOTROPHIC LATERAL SCLEROSIS 1, FAMILIAL. Identifiers: Orphanet 803, MedGen C1862939, MONDO:0007103, OMIM 105400.
Perry syndrome. Also called: PARKINSONISM WITH ALVEOLAR HYPOVENTILATION AND MENTAL DEPRESSION. Identifiers: Orphanet 178509, MedGen C1868594, MONDO:0008201, OMIM 168605.
Neuronopathy, distal hereditary motor, type 7B. Also called: Distal Hereditary Motor Neuronopathy Type 7B (dHMN7B); NEURONOPATHY, DISTAL HEREDITARY MOTOR, AUTOSOMAL DOMINANT 14; NEURONOPATHY, DISTAL HEREDITARY MOTOR, HARDING TYPE VIIB; NEUROPATHY, DISTAL HEREDITARY MOTOR, HARDING TYPE VIIB; NEUROPATHY, DISTAL HEREDITARY MOTOR, WITH VOCAL CORD PARALYSIS, HARDING TYPE VIIB; HMN VIIB. Identifiers: Orphanet 139589, MedGen C1843315, MONDO:0011879, OMIM 607641.

Allele frequency attached by ClinVar (database versions not stated): gnomAD exomes below 0.00001 and 0.00001; TOPMed below 0.00001.
gnomAD v4.1: 12 of 1,614,190 alleles (0.00074%); highest among the groups gnomAD compares: East Asian, 0.0022%; no homozygotes.

Submission:

Labcorp Genetics (formerly Invitae), Labcorp
Classification: Uncertain significance for Amyotrophic lateral sclerosis type 1; Neuronopathy, distal hereditary motor, type 7B; Perry syndrome. Last evaluated: 2018-07-11. Review status: criteria provided, single submitter. Criteria: Invitae Variant Classification Sherloc (09022015). Collection method: clinical testing. Allele origin: germline.
Comment: The current clinical and genetic evidence is not sufficient to establish whether loss-of-function variants in DCTN1 cause disease. In summary, the available evidence is currently insufficient to determine the role of this variant in disease. Therefore, it has been classified as a Variant of Uncertain Significance. Nucleotide substitutions within the consensus splice site are a relatively common cause of aberrant splicing (PMID: 17576681, 9536098). Algorithms developed to predict the effect of sequence changes on RNA splicing suggest that this variant may create or strengthen a splice site, but this prediction has not been confirmed by published transcriptional studies. This variant has not been reported in the literature in individuals with DCTN1-related disease. This variant is not present in population databases (ExAC no frequency). This sequence change falls in intron 14 of the DCTN1 gene. It does not directly change the encoded amino acid sequence of the DCTN1 protein, but it affects a nucleotide within the consensus splice site of the intron.

Literature cited by the submitters: PubMed 17576681; PubMed 9536098.

NM_004082.5(DCTN1):c.1584+5A>G

Gene: DCTN1 (dynactin subunit 1; minus strand). Cytogenetic location: 2p13.1.
Variant type: single nucleotide variant.
Coding change: c.1584+5A>G on transcript NM_004082.5 (MANE Select); 5 bases into the intron after coding-DNA position 1584, A replaced by G.
Molecular consequence: intron variant.
Genome position (GRCh38, 1-based): chr2:74,369,295, T>C on the plus strand (A>G on the coding strand, the complement: DCTN1 is on the minus strand). VCF-style: chr2-74369295-T-C. GRCh37 (hg19) VCF-style: chr2-74596422-T-C.
Other names: c.1473+5A>G (NM_001190836.2); c.1515+5A>G (NM_001378992.1); c.1533+5A>G (NM_001378991.1); c.1524+5A>G (NM_001135040.3); c.1563+5A>G (NM_001190837.2); c.1182+5A>G (NM_001135041.3, NM_023019.4).
Identifiers: ClinVar variation 658060 (VCV000658060.9), dbSNP rs1283119090, ClinGen allele CA534126855.